The following is an entry in ClinVar:

ClinVar aggregate classification (germline): Uncertain significance (1 of 4 stars; one submission).

Conditions:
Inborn genetic diseases. Identifiers: MedGen C0950123, MeSH D030342.

Submission:

Ambry Genetics
Classification: Uncertain significance for Inborn genetic diseases. Last evaluated: 2026-07-02. Review status: criteria provided, single submitter. Criteria: Ambry Variant Classification Scheme 2023. Collection method: clinical testing. Allele origin: germline.
Comment: The p.A45S variant (also known as c.133G>T), located in coding exon 1 of the WT1 gene, results from a G to T substitution at nucleotide position 133. The alanine at codon 45 is replaced by serine, an amino acid with similar properties. This amino acid position is conserved. In addition, this alteration is predicted to be tolerated by in silico analysis. Based on the available evidence, the clinical significance of this variant remains unclear.

NM_024426.6(WT1):c.148G>T (p.Ala50Ser)

Genes: WT1 (WT1 transcription factor; minus strand), LOC107982234 (WT1/WT1-AS bi-directional promoter region; plus strand). Cytogenetic location: 11p13.
Variant type: single nucleotide variant.
Coding change: c.148G>T on transcript NM_024426.6 (MANE Select); coding-DNA position 148, G replaced by T.
Protein change: p.Ala50Ser; replaces alanine 50 with serine.
Molecular consequence: missense variant. On other transcripts: 5 prime UTR variant (4), non-coding transcript variant (2).
Genome position (GRCh38, 1-based): chr11:32,435,213, C>A on the plus strand (G>T on the coding strand, the complement: WT1 is on the minus strand). VCF-style: chr11-32435213-C-A. GRCh37 (hg19) VCF-style: chr11-32456759-C-A.
Other names: c.148G>T, p.Ala50Ser (NM_000378.6, NM_001407044.1, NM_001407045.1 and 6 more transcripts); c.-72G>T (NM_001429031.1, NM_001429032.1, NM_001429033.1 and 1 more transcripts); short protein forms A45S, A50S.
Identifiers: ClinVar variation 5032022 (VCV005032022.1).